The following is an entry in ClinVar:

NM_006031.6(PCNT):c.6922-7T>C

Gene: PCNT (pericentrin; plus strand). Cytogenetic location: 21q22.3.
Variant type: single nucleotide variant.
Coding change: c.6922-7T>C on transcript NM_006031.6 (MANE Select); 7 bases into the intron before coding-DNA position 6922, T replaced by C.
Molecular consequence: intron variant.
Genome position (GRCh38, 1-based): chr21:46,418,197, T>C. VCF-style: chr21-46418197-T-C. GRCh37 (hg19) VCF-style: chr21-47838111-T-C.
Other names: c.6568-7T>C (NM_001315529.2).
Identifiers: ClinVar variation 4997563 (VCV004997563.1).
Genomic context (GRCh38, chr21:46,418,197, plus strand): 5'-CCTGGCAAAGTCAGCGCTATGATGTAATTACTCATTATTTTATGACCATTTAAAAATCTC[T>C]TAACAGGAGAAAGATGTCGAAGATTTTATCACAACATCCTTTGATTCTCAAGAAACATTA-3'

ClinVar aggregate classification (germline): Likely benign (1 of 4 stars; one submission).

Conditions:
PCNT-related disorder. Also called: PCNT-related condition.

gnomAD v4.1: 3 of 1,538,960 alleles (0.00019%); highest among the groups gnomAD compares: South Asian, 0.0011%; no homozygotes.

Submission:

PreventionGenetics, part of Exact Sciences
Classification: Likely benign for PCNT-related condition. Last evaluated: 2025-12-04. Review status: criteria provided, single submitter. Criteria: ACMG Guidelines, 2015. Collection method: clinical testing. Allele origin: germline.
Comment: This variant is classified as likely benign based on ACMG/AMP sequence variant interpretation guidelines (Richards et al. 2015 PMID: 25741868, with internal and published modifications).